The following is an entry in ClinVar:

ClinVar aggregate classification (germline): Uncertain significance (1 of 4 stars; one submission).

Submission:

Labcorp Genetics (formerly Invitae), Labcorp
Classification: Uncertain significance. Last evaluated: 2025-05-19. Review status: criteria provided, single submitter. Criteria: Invitae Variant Classification Sherloc (09022015). Collection method: clinical testing. Allele origin: germline.
Comment: This sequence change affects codon 1152 of the IGF1R mRNA. It is a 'silent' change, meaning that it does not change the encoded amino acid sequence of the IGF1R protein. It affects a nucleotide within the consensus splice site. This variant is not present in population databases (gnomAD no frequency). This variant has not been reported in the literature in individuals affected with IGF1R-related conditions. Algorithms developed to predict the effect of sequence changes on RNA splicing suggest that this variant may disrupt the consensus splice site. In summary, the available evidence is currently insufficient to determine the role of this variant in disease. Therefore, it has been classified as a Variant of Uncertain Significance.

NM_000875.5(IGF1R):c.3456A>T (p.Gly1152=)

Gene: IGF1R (insulin like growth factor 1 receptor; plus strand). Cytogenetic location: 15q26.3.
Variant type: single nucleotide variant.
Coding change: c.3456A>T on transcript NM_000875.5 (MANE Select); coding-DNA position 3456, A replaced by T.
Protein change: p.Gly1152=; no amino-acid change (glycine 1152 retained).
Molecular consequence: synonymous variant.
Genome position (GRCh38, 1-based): chr15:98,939,359, A>T. VCF-style: chr15-98939359-A-T. GRCh37 (hg19) VCF-style: chr15-99482588-A-T.
Other names: c.3453A>T, p.Gly1151= (NM_001291858.2).
Identifiers: ClinVar variation 4719056 (VCV004719056.1).
Genomic context (GRCh38, chr15:98,939,359, plus strand): 5'-CCACAGAGACCTTGCTGCCCGGAATTGCATGGTAGCCGAAGATTTCACAGTCAAAATCGG[A>T]GGTGTGTCCTTAGCTTTCCAGGTCTGGGCAAGAACTAAACTCAGGTGTTTTGAGGACTTT-3'
Protein context (NP_000866.1, residues 1142-1162): MVAEDFTVKI[Gly1152=]DFGMTRDIYE